The following is an entry in ClinVar:

NM_001082486.2(ACD):c.43G>C (p.Glu15Gln)

Gene: ACD (ACD shelterin complex subunit and telomerase recruitment factor; minus strand). Cytogenetic location: 16q22.1.
Variant type: single nucleotide variant.
Coding change: c.43G>C on transcript NM_001082486.2 (MANE Select); coding-DNA position 43, G replaced by C.
Protein change: p.Glu15Gln; replaces glutamic acid 15 with glutamine.
Molecular consequence: missense variant.
Genome position (GRCh38, 1-based): chr16:67,660,178, C>G on the plus strand (G>C on the coding strand, the complement: ACD is on the minus strand). VCF-style: chr16-67660178-C-G. GRCh37 (hg19) VCF-style: chr16-67694081-C-G.
Other names: c.43G>C, p.Glu15Gln (NM_022914.3); short protein forms E15Q.
Identifiers: ClinVar variation 1063998 (VCV001063998.12), dbSNP rs2142976000, ClinGen allele CA396358385.
Genomic context (GRCh38, chr16:67,660,178, plus strand): 5'-TCACCTCAAGCAGCTGCCCGGCTCGTGGACTGGAGGGTGTCTCTGACCCCAGAATCAGCT[C>G]CCGAATCCAGGGCCGTAGGACCAGCCTCCCCGAACCTGCCATCCCCACGGCTACACCCAG-3'
Protein context (NP_001075955.2, residues 5-25): GRLVLRPWIR[Glu15Gln]LILGSETPSS

ClinVar aggregate classification (germline): Uncertain significance. Review status: criteria provided, multiple submitters, no conflicts (2 of 4 stars). 3 submissions from 3 submitters: Uncertain significance (3). Last evaluated 2025-12-01.

Conditions:
Dyskeratosis congenita, autosomal dominant 6 (DKCA6). Identifiers: Orphanet 3322, MedGen C4225284, MONDO:0014690, OMIM 616553.
Inborn genetic diseases. Identifiers: MedGen C0950123, MeSH D030342.

Allele frequency attached by ClinVar (database versions not stated): gnomAD exomes below 0.00001.

Submissions (3):

Labcorp Genetics (formerly Invitae), Labcorp
Classification: Uncertain significance for Dyskeratosis congenita, autosomal dominant 6. Last evaluated: 2025-12-01. Review status: criteria provided, single submitter. Criteria: Invitae Variant Classification Sherloc (09022015). Collection method: clinical testing. Allele origin: germline.
Comment: This sequence change replaces glutamic acid, which is acidic and polar, with glutamine, which is neutral and polar, at codon 101 of the ACD protein (p.Glu101Gln). This variant is not present in population databases (gnomAD no frequency). This variant has not been reported in the literature in individuals affected with ACD-related conditions. ClinVar contains an entry for this variant (Variation ID: 1063998). Invitae Evidence Modeling of protein sequence and biophysical properties (such as structural, functional, and spatial information, amino acid conservation, physicochemical variation, residue mobility, and thermodynamic stability) indicates that this missense variant is not expected to disrupt ACD protein function with a negative predictive value of 80%. In summary, the available evidence is currently insufficient to determine the role of this variant in disease. Therefore, it has been classified as a Variant of Uncertain Significance.

Ambry Genetics
Classification: Uncertain significance for Inborn genetic diseases. Last evaluated: 2023-07-26. Review status: criteria provided, single submitter. Criteria: Ambry Variant Classification Scheme 2023. Collection method: clinical testing. Allele origin: germline.
Comment: The p.E101Q variant (also known as c.301G>C), located in coding exon 1 of the ACD gene, results from a G to C substitution at nucleotide position 301. The glutamic acid at codon 101 is replaced by glutamine, an amino acid with highly similar properties. This amino acid position is conserved. In addition, this alteration is predicted to be tolerated by in silico analysis. Since supporting evidence is limited at this time, the clinical significance of this alteration remains unclear.

Blueprint Genetics
Classification: Uncertain significance. Last evaluated: 2021-02-04. Review status: criteria provided, single submitter. Criteria: ACMG Guidelines, 2015. Collection method: clinical testing. Allele origin: germline.